The following is an entry in ClinVar:

NM_000069.3(CACNA1S):c.3526-3C>T

Gene: CACNA1S (calcium voltage-gated channel subunit alpha1 S; minus strand). Cytogenetic location: 1q32.1.
Variant type: single nucleotide variant.
Coding change: c.3526-3C>T on transcript NM_000069.3 (MANE Select); 3 bases into the intron before coding-DNA position 3526, C replaced by T.
Molecular consequence: intron variant.
Genome position (GRCh38, 1-based): chr1:201,058,494, G>A on the plus strand (C>T on the coding strand, the complement: CACNA1S is on the minus strand). VCF-style: chr1-201058494-G-A. GRCh37 (hg19) VCF-style: chr1-201027622-G-A.
Identifiers: ClinVar variation 1498450 (VCV001498450.8), dbSNP rs753852308, ClinGen allele CA082605.

ClinVar aggregate classification (germline): Conflicting classifications of pathogenicity. Review status: criteria provided, conflicting classifications (1 of 4 stars). 3 submissions from 3 submitters: Uncertain significance (1); Likely benign (2). Last evaluated 2024-06-09.

Conditions:
Malignant hyperthermia, susceptibility to, 5 (MHS5). Also called: CACNA1S-Related Malignant Hyperthermia Susceptibility. Identifiers: Orphanet 423, MedGen C1866077, MONDO:0011163, OMIM 601887.
Hypokalemic periodic paralysis, type 1. Also called: HypoPP; Hypokalemic Periodic Paralysis Type 1 (AD). Identifiers: Orphanet 681, MedGen C3714580, MONDO:0042979, OMIM 170400.

Allele frequency attached by ClinVar (database versions not stated): gnomAD exomes below 0.00001 and 0.00001; TOPMed below 0.00001; ExAC 0.00001.
gnomAD v4.1: 2 of 1,612,928 alleles (0.00012%); highest among the groups gnomAD compares: Admixed American, 0.0033%; no homozygotes.

Submissions (3):

All of Us Research Program, National Institutes of Health
Classification: Likely benign for Malignant hyperthermia, susceptibility to, 5. Last evaluated: 2024-06-09. Review status: criteria provided, single submitter. Criteria: ACMG Guidelines, 2015. Collection method: clinical testing. Allele origin: germline. Inheritance: Autosomal dominant inheritance. Observed: 1 variant allele, 1 heterozygote.
Comment: This study involves interpretation of variants in research participants for the purpose of population health screening. Participant phenotype was not available at the time of variant classification. Additional details can be found in publication PMID: 35346344, PMCID: PMC8962531

Color Diagnostics, LLC DBA Color Health
Classification: Likely benign for Malignant hyperthermia, susceptibility to, 5. Last evaluated: 2023-01-19. Review status: criteria provided, single submitter. Criteria: ACMG Guidelines, 2015. Collection method: clinical testing. Allele origin: germline.

Labcorp Genetics (formerly Invitae), Labcorp
Classification: Uncertain significance for Hypokalemic periodic paralysis, type 1; Malignant hyperthermia, susceptibility to, 5. Last evaluated: 2021-08-07. Review status: criteria provided, single submitter. Criteria: Invitae Variant Classification Sherloc (09022015). Collection method: clinical testing. Allele origin: germline.
Comment: In summary, the available evidence is currently insufficient to determine the role of this variant in disease. Therefore, it has been classified as a Variant of Uncertain Significance. Variants that disrupt the consensus splice site are a relatively common cause of aberrant splicing (PMID: 17576681, 9536098). Algorithms developed to predict the effect of sequence changes on RNA splicing suggest that this variant is not likely to affect RNA splicing. This variant has not been reported in the literature in individuals affected with CACNA1S-related conditions. This variant is present in population databases (rs753852308, ExAC 0.009%). This sequence change falls in intron 27 of the CACNA1S gene. It does not directly change the encoded amino acid sequence of the CACNA1S protein. It affects a nucleotide within the consensus splice site of the intron.

Literature cited by the submitters: PubMed 17576681 (cited by Labcorp Genetics (formerly Invitae), Labcorp); PubMed 9536098 (cited by Labcorp Genetics (formerly Invitae), Labcorp).